The following is an entry in ClinVar:

NM_002474.3(MYH11):c.5825C>T (p.Ser1942Phe)

Genes: MYH11 (myosin heavy chain 11; minus strand), NDE1 (nudE neurodevelopment protein 1; plus strand). Cytogenetic location: 16p13.11.
Variant type: single nucleotide variant.
Coding change: c.5825C>T on transcript NM_002474.3 (MANE Select); coding-DNA position 5825, C replaced by T.
Protein change: p.Ser1942Phe; replaces serine 1942 with phenylalanine.
Molecular consequence: missense variant. On other transcripts: 3 prime UTR variant (2), intron variant (2).
Genome position (GRCh38, 1-based): chr16:15,704,085, G>A on the plus strand (C>T on the coding strand, the complement: MYH11 is on the minus strand). VCF-style: chr16-15704085-G-A. GRCh37 (hg19) VCF-style: chr16-15797942-G-A.
Other names: c.*47C>T (NM_001040113.2, NM_022844.3); c.5846C>T, p.Ser1949Phe (NM_001040114.2); c.947+7225G>A (NM_001143979.2, NM_017668.3); short protein forms S1942F, S1949F.
Identifiers: ClinVar variation 924346 (VCV000924346.3), dbSNP rs2039323650, ClinGen allele CA394843890.

ClinVar aggregate classification (germline): Uncertain significance (1 of 4 stars; one submission).

Conditions:
Familial thoracic aortic aneurysm and aortic dissection (TAAD). Also called: Thoracic aortic aneurysms and dissections. Identifiers: Orphanet 91387, MedGen C4707243, MONDO:0019625.

Submission:

Color Diagnostics, LLC DBA Color Health
Classification: Uncertain significance for Familial thoracic aortic aneurysm and aortic dissection. Last evaluated: 2019-06-27. Review status: criteria provided, single submitter. Criteria: ACMG Guidelines, 2015. Collection method: clinical testing. Allele origin: germline.
Comment: This variant is located in the 3' untranslated region of the MYH11 gene. To our knowledge, functional assays have not been performed for this variant nor has this variant been reported in individuals affected with cardiovascular disorders in the literature. This variant has not been identified in the general population by the Genome Aggregation Database (gnomAD). Available evidence is insufficient to determine the role of this variant in disease conclusively. Therefore, this variant is classified as a Variant of Uncertain Significance.